The following is an entry in ClinVar:

NM_002838.5(PTPRC):c.2907_2909dup (p.Lys969_Ser970insArg)

Gene: PTPRC (protein tyrosine phosphatase receptor type C; plus strand). Cytogenetic location: 1q32.1.
Variant type: Duplication.
Coding change: c.2907_2909dup on transcript NM_002838.5 (MANE Select); coding-DNA positions 2907 to 2909, 3 bases duplicated (AAG; older notation c.2907_2909dupAAG).
Protein change: p.Lys969_Ser970insArg.
Molecular consequence: inframe insertion.
Genome position (GRCh38, 1-based): chr1:198,748,168-198,748,170, AAG duplicated. VCF-style (leftmost placement, unchanged base first): chr1-198748167-A-AAAG. GRCh37 (hg19) VCF-style: chr1-198717296-A-AAAG.
Other names: c.2424_2426dup, p.Lys808_Ser809insArg (NM_080921.4).
Identifiers: ClinVar variation 1008874 (VCV001008874.6), dbSNP rs755878222, ClinGen allele CA1315280.

ClinVar aggregate classification (germline): Uncertain significance (1 of 4 stars; one submission).

Conditions:
Immunodeficiency 104. Also called: SCID, AUTOSOMAL RECESSIVE, T CELL-NEGATIVE, B CELL-POSITIVE, NK CELL-POSITIVE; Severe combined immunodeficiency, autosomal recessive, T cell-negative, B cell-positive, NK cell-positive; Severe Combined Immune Deficiency, Autosomal Recessive, TCell -Negative, B Cell-Positive, NK Cell-Positive, IL7R-Related; IMMUNODEFICIENCY 104, SEVERE COMBINED. Identifiers: MedGen C5676890, MONDO:0012163, OMIM 608971.

Allele frequency attached by ClinVar (database versions not stated): gnomAD exomes below 0.00001 and 0.00001; ExAC 0.00001; gnomAD 0.00001.

Submission:

Labcorp Genetics (formerly Invitae), Labcorp
Classification: Uncertain significance for Immunodeficiency 104. Last evaluated: 2021-09-01. Review status: criteria provided, single submitter. Criteria: Invitae Variant Classification Sherloc (09022015). Collection method: clinical testing. Allele origin: germline.
Comment: This variant, c.2907_2909dup, results in the insertion of 1 amino acid(s) to the PTPRC protein (p.Lys969_Ser970insArg), but otherwise preserves the integrity of the reading frame. This variant is present in population databases (rs755878222, ExAC 0.002%). This variant has not been reported in the literature in individuals affected with PTPRC-related conditions. Algorithms developed to predict the effect of sequence changes on RNA splicing suggest that this variant may create or strengthen a splice site. In summary, the available evidence is currently insufficient to determine the role of this variant in disease. Therefore, it has been classified as a Variant of Uncertain Significance.